The following is an entry in ClinVar:

NM_001080453.3(INTS1):c.4617C>T (p.Asp1539=)

Gene: INTS1 (integrator complex subunit 1; minus strand). Cytogenetic location: 7p22.3.
Variant type: single nucleotide variant.
Coding change: c.4617C>T on transcript NM_001080453.3 (MANE Select); coding-DNA position 4617, C replaced by T.
Protein change: p.Asp1539=; no amino-acid change (aspartic acid 1539 retained).
Molecular consequence: synonymous variant.
Genome position (GRCh38, 1-based): chr7:1,478,379, G>A on the plus strand (C>T on the coding strand, the complement: INTS1 is on the minus strand). VCF-style: chr7-1478379-G-A. GRCh37 (hg19) VCF-style: chr7-1518015-G-A.
Identifiers: ClinVar variation 4875341 (VCV004875341.2).

ClinVar aggregate classification (germline): Likely benign (1 of 4 stars; one submission).

gnomAD v4.1: 30 of 1,612,548 alleles (0.0019%); highest among the groups gnomAD compares: Admixed American, 0.05%; no homozygotes.

Submission:

CeGaT Center for Human Genetics Tuebingen
Classification: Likely benign. Last evaluated: 2026-06-01. Review status: criteria provided, single submitter. Criteria: CeGaT Center For Human Genetics Tuebingen Variant Classification Criteria Version 2. Collection method: clinical testing. Allele origin: germline. Affected: yes. Observed: 1 variant allele.
Comment: INTS1: BP4, BP7